The following is an entry in ClinVar:

NM_000257.4(MYH7):c.1806T>G (p.Asn602Lys)

Gene: MYH7 (myosin heavy chain 7; minus strand). Cytogenetic location: 14q11.2.
Variant type: single nucleotide variant.
Coding change: c.1806T>G on transcript NM_000257.4 (MANE Select); coding-DNA position 1806, T replaced by G.
Protein change: p.Asn602Lys; replaces asparagine 602 with lysine.
Molecular consequence: missense variant.
Genome position (GRCh38, 1-based): chr14:23,427,667, A>C on the plus strand (T>G on the coding strand, the complement: MYH7 is on the minus strand). VCF-style: chr14-23427667-A-C. GRCh37 (hg19) VCF-style: chr14-23896876-A-C.
Other names: short protein forms N602K.
Identifiers: ClinVar variation 1483672 (VCV001483672.6), dbSNP rs2138672051, ClinGen allele CA389049776.

ClinVar aggregate classification (germline): Likely pathogenic (1 of 4 stars; one submission).

Conditions:
Hypertrophic cardiomyopathy. Also called: HYPERTROPHIC MYOCARDIOPATHY. Identifiers: Orphanet 217569, MedGen C0007194, MeSH D002312, MONDO:0005045, HP:0001639.

Submission:

Labcorp Genetics (formerly Invitae), Labcorp
Classification: Likely pathogenic for Hypertrophic cardiomyopathy. Last evaluated: 2022-11-07. Review status: criteria provided, single submitter. Criteria: Invitae Variant Classification Sherloc (09022015). Collection method: clinical testing. Allele origin: germline.
Comment: This variant disrupts the p.Asn602 amino acid residue in MYH7. Other variant(s) that disrupt this residue have been determined to be pathogenic (Invitae). This suggests that this residue is clinically significant, and that variants that disrupt this residue are likely to be disease-causing. This sequence change replaces asparagine, which is neutral and polar, with lysine, which is basic and polar, at codon 602 of the MYH7 protein (p.Asn602Lys). This variant is not present in population databases (gnomAD no frequency). This variant has not been reported in the literature in individuals affected with MYH7-related conditions. ClinVar contains an entry for this variant (Variation ID: 1483672). Advanced modeling of protein sequence and biophysical properties (such as structural, functional, and spatial information, amino acid conservation, physicochemical variation, residue mobility, and thermodynamic stability) performed at Invitae indicates that this missense variant is expected to disrupt MYH7 protein function. In summary, the currently available evidence indicates that the variant is pathogenic, but additional data are needed to prove that conclusively. Therefore, this variant has been classified as Likely Pathogenic.